The following is an entry in ClinVar:

NM_007202.4(AKAP10):c.1936A>G (p.Ile646Val)

Gene: AKAP10 (A-kinase anchoring protein 10; minus strand). Cytogenetic location: 17p11.2.
Variant type: single nucleotide variant.
Coding change: c.1936A>G on transcript NM_007202.4 (MANE Select); coding-DNA position 1936, A replaced by G.
Protein change: p.Ile646Val; replaces isoleucine 646 with valine.
Molecular consequence: missense variant.
Genome position (GRCh38, 1-based): chr17:19,909,228, T>C on the plus strand (A>G on the coding strand, the complement: AKAP10 is on the minus strand). VCF-style: chr17-19909228-T-C. GRCh37 (hg19) VCF-style: chr17-19812541-T-C.
Other names: c.1936A>G (NM_007202.3); c.1762A>G, p.Ile588Val (NM_001330152.2); short protein forms I646V, I588V.
Identifiers: ClinVar variation 5404 (VCV000005404.5), dbSNP rs203462, ClinGen allele CA117512.

ClinVar aggregate classification (germline): Conflicting classifications of pathogenicity. Review status: no assertion criteria provided (0 of 4 stars). 2 submissions from 2 submitters: Uncertain significance (1); Benign (1). Last evaluated 2019-10-17.

Conditions:
AKAP10-related disorder. Also called: AKAP10-related condition.
Reclassified - variant of unknown significance.

Allele frequency attached by ClinVar (database versions not stated): ExAC 0.37365; 1000 Genomes Project 30x 0.39819; gnomAD 0.42831 and 0.43766; gnomAD exomes 0.37138 and 0.38528; 1000 Genomes Project 0.39397; TOPMed 0.44353.
gnomAD v4.1: 627,781 of 1,612,096 alleles (39%); highest among the groups gnomAD compares: African/African-American, 59%; 125,833 homozygotes.

Submissions (2):

PreventionGenetics, part of Exact Sciences
Classification: Benign for AKAP10-related condition. Last evaluated: 2019-10-17. Review status: no assertion criteria provided. Collection method: clinical testing. Allele origin: germline.
Comment: This variant is classified as benign based on ACMG/AMP sequence variant interpretation guidelines (Richards et al. 2015 PMID: 25741868, with internal and published modifications).

OMIM
Classification: Uncertain significance for RECLASSIFIED - VARIANT OF UNKNOWN SIGNIFICANCE. Last evaluated: 2007-05-15. Review status: no assertion criteria provided. Collection method: literature only. Allele origin: germline.

Literature cited by the submitters: PubMed 12646697 (cited by OMIM); PubMed 17485678 (cited by OMIM); Hamosh, A. Personal Communication. 2023. Baltimore, Md. (cited by OMIM).